The following is an entry in ClinVar:

ClinVar aggregate classification (germline): Pathogenic (1 of 4 stars; one submission).

Submission:

Labcorp Genetics (formerly Invitae), Labcorp
Classification: Pathogenic. Last evaluated: 2023-03-19. Review status: criteria provided, single submitter. Criteria: Invitae Variant Classification Sherloc (09022015). Collection method: clinical testing. Allele origin: germline.
Comment: For these reasons, this variant has been classified as Pathogenic. This variant has not been reported in the literature in individuals affected with PYCR2-related conditions. This variant is present in population databases (no rsID available, gnomAD 0.01%). This sequence change creates a premature translational stop signal (p.Ala207Profs*21) in the PYCR2 gene. It is expected to result in an absent or disrupted protein product. Loss-of-function variants in PYCR2 are known to be pathogenic (PMID: 25865492, 27860360).

Literature cited by the submitters: PubMed 25865492; PubMed 27860360.

NM_013328.4(PYCR2):c.618_619del (p.Ala207fs)

Gene: PYCR2 (pyrroline-5-carboxylate reductase 2; minus strand). Cytogenetic location: 1q42.12.
Variant type: Deletion.
Coding change: c.618_619del on transcript NM_013328.4 (MANE Select); coding-DNA positions 618 to 619, 2 bases deleted (GG; older notation c.618_619delGG).
Protein change: p.Ala207fs; shifts the reading frame from alanine 207.
Molecular consequence: frameshift variant.
Genome position (GRCh38, 1-based): chr1:225,921,566-225,921,567, CC deleted on the plus strand (GG on the coding strand, the reverse complement: PYCR2 is on the minus strand); deleting any 2 consecutive bases within chr1:225,921,566-225,921,569 gives the same sequence; the c. name uses the placement nearest the transcript's 3' end. VCF-style (leftmost placement, unchanged base first): chr1-225921565-GCC-G. GRCh37 (hg19) VCF-style: chr1-226109265-GCC-G.
Other names: c.396_397del, p.Ala133fs (NM_001271681.2); short protein forms A133fs, A207fs.
Identifiers: ClinVar variation 2843864 (VCV002843864.3), dbSNP rs997930135, ClinGen allele CA38534375.